The following is an entry in ClinVar:

NM_033028.5(BBS4):c.19G>A (p.Ala7Thr)

Gene: BBS4 (Bardet-Biedl syndrome 4; plus strand). Cytogenetic location: 15q24.1.
Variant type: single nucleotide variant.
Coding change: c.19G>A on transcript NM_033028.5 (MANE Select); coding-DNA position 19, G replaced by A.
Protein change: p.Ala7Thr; replaces alanine 7 with threonine.
Molecular consequence: missense variant. On other transcripts: 5 prime UTR variant (1), non-coding transcript variant (2).
Genome position (GRCh38, 1-based): chr15:72,686,246, G>A. VCF-style: chr15-72686246-G-A. GRCh37 (hg19) VCF-style: chr15-72978587-G-A.
Other names: c.-451G>A (NM_001252678.2); c.19G>A, p.Ala7Thr (NM_001320665.2); short protein forms A7T.
Identifiers: ClinVar variation 1474887 (VCV001474887.6), dbSNP rs2064831111, ClinGen allele CA393075059.

ClinVar aggregate classification (germline): Uncertain significance (1 of 4 stars; one submission).

Conditions:
Bardet-Biedl syndrome (BBS). Identifiers: Orphanet 110, MedGen C0752166, MONDO:0015229.

Submission:

Labcorp Genetics (formerly Invitae), Labcorp
Classification: Uncertain significance for Bardet-Biedl syndrome. Last evaluated: 2025-04-08. Review status: criteria provided, single submitter. Criteria: Invitae Variant Classification Sherloc (09022015). Collection method: clinical testing. Allele origin: germline.
Comment: This sequence change replaces alanine, which is neutral and non-polar, with threonine, which is neutral and polar, at codon 7 of the BBS4 protein (p.Ala7Thr). This variant is not present in population databases (gnomAD no frequency). This variant has not been reported in the literature in individuals affected with BBS4-related conditions. ClinVar contains an entry for this variant (Variation ID: 1474887). An algorithm developed to predict the effect of missense changes on protein structure and function (PolyPhen-2) suggests that this variant is likely to be tolerated. In summary, the available evidence is currently insufficient to determine the role of this variant in disease. Therefore, it has been classified as a Variant of Uncertain Significance.